The following is an entry in ClinVar:

NM_018943.3(TUBA8):c.629A>G (p.Tyr210Cys)

Gene: TUBA8 (tubulin alpha 8; plus strand). Cytogenetic location: 22q11.21.
Variant type: single nucleotide variant.
Coding change: c.629A>G on transcript NM_018943.3 (MANE Select); coding-DNA position 629, A replaced by G.
Protein change: p.Tyr210Cys; replaces tyrosine 210 with cysteine.
Molecular consequence: missense variant.
Genome position (GRCh38, 1-based): chr22:18,126,607, A>G. VCF-style: chr22-18126607-A-G. GRCh37 (hg19) VCF-style: chr22-18609374-A-G.
Other names: c.431A>G, p.Tyr144Cys (NM_001193414.2); short protein forms Y210C, Y144C.
Identifiers: ClinVar variation 2114266 (VCV002114266.4), dbSNP rs764861549, ClinGen allele CA10093719.
Genomic context (GRCh38, chr22:18,126,607, plus strand): 5'-CCACCCACACCACACTGGAACATTCAGATTGTGCTTTCATGGTGGACAACGAAGCCATCT[A>G]TGACATCTGCCGCAGGAACCTTGACATTGAGCGCCCTACCTATACCAACCTCAACCGCCT-3'
Protein context (NP_061816.1, residues 200-220): CAFMVDNEAI[Tyr210Cys]DICRRNLDIE

ClinVar aggregate classification (germline): Uncertain significance (1 of 4 stars; one submission).

Allele frequency attached by ClinVar (database versions not stated): gnomAD exomes below 0.00001; ExAC 0.00001.
gnomAD v4.1: 7 of 1,614,128 alleles (0.00043%); highest among the groups gnomAD compares: Non-Finnish European, 0.00051%; no homozygotes.

Submission:

Labcorp Genetics (formerly Invitae), Labcorp
Classification: Uncertain significance. Last evaluated: 2022-02-20. Review status: criteria provided, single submitter. Criteria: Invitae Variant Classification Sherloc (09022015). Collection method: clinical testing. Allele origin: germline.
Comment: In summary, the available evidence is currently insufficient to determine the role of this variant in disease. Therefore, it has been classified as a Variant of Uncertain Significance. Algorithms developed to predict the effect of missense changes on protein structure and function (SIFT, PolyPhen-2, Align-GVGD) all suggest that this variant is likely to be disruptive. This variant has not been reported in the literature in individuals affected with TUBA8-related conditions. This variant is present in population databases (rs764861549, gnomAD 0.003%). This sequence change replaces tyrosine, which is neutral and polar, with cysteine, which is neutral and slightly polar, at codon 210 of the TUBA8 protein (p.Tyr210Cys).